The following is an entry in ClinVar:

NM_013275.6(ANKRD11):c.1237G>A (p.Glu413Lys)

Gene: ANKRD11 (ankyrin repeat domain 11; minus strand). Cytogenetic location: 16q24.3.
Variant type: single nucleotide variant.
Coding change: c.1237G>A on transcript NM_013275.6 (MANE Select); coding-DNA position 1237, G replaced by A.
Protein change: p.Glu413Lys; replaces glutamic acid 413 with lysine.
Molecular consequence: missense variant.
Genome position (GRCh38, 1-based): chr16:89,285,305, C>T on the plus strand (G>A on the coding strand, the complement: ANKRD11 is on the minus strand). VCF-style: chr16-89285305-C-T. GRCh37 (hg19) VCF-style: chr16-89351713-C-T.
Other names: c.1237G>A, p.Glu413Lys (NM_001256182.2, NM_001256183.2); short protein forms E413K.
Identifiers: ClinVar variation 3671149 (VCV003671149.2).
Genomic context (GRCh38, chr16:89,285,305, plus strand): 5'-TCGTATGTGCCGAGAGTCTCAGCTTCTCTCCTGTCCCCACGGTGACACTCGCGTCCTCCT[C>T]GTCCGACGTGTCTGACAGGATACGATGGGACGCTTTCTTTGGTGCAATCGTGTTATTTTT-3'
Protein context (NP_037407.4, residues 403-423): SHRILSDTSD[Glu413Lys]EDASVTVGTG

ClinVar aggregate classification (germline): Uncertain significance (1 of 4 stars; one submission).

Conditions:
KBG syndrome (KBGS). Also called: ANKRD11-Related KBG Syndrome. Identifiers: Orphanet 2332, MedGen C0220687, MONDO:0007846, OMIM 148050.

gnomAD v4.1: 3 of 1,613,854 alleles (0.00019%); highest among the groups gnomAD compares: Non-Finnish European, 0.00025%; no homozygotes.

Submission:

Labcorp Genetics (formerly Invitae), Labcorp
Classification: Uncertain significance for KBG syndrome. Last evaluated: 2024-11-18. Review status: criteria provided, single submitter. Criteria: Invitae Variant Classification Sherloc (09022015). Collection method: clinical testing. Allele origin: germline.
Comment: This sequence change replaces glutamic acid, which is acidic and polar, with lysine, which is basic and polar, at codon 413 of the ANKRD11 protein (p.Glu413Lys). This variant is not present in population databases (gnomAD no frequency). This variant has not been reported in the literature in individuals affected with ANKRD11-related conditions. Invitae Evidence Modeling of protein sequence and biophysical properties (such as structural, functional, and spatial information, amino acid conservation, physicochemical variation, residue mobility, and thermodynamic stability) indicates that this missense variant is not expected to disrupt ANKRD11 protein function with a negative predictive value of 95%. In summary, the available evidence is currently insufficient to determine the role of this variant in disease. Therefore, it has been classified as a Variant of Uncertain Significance.